The following is an entry in ClinVar:

ClinVar aggregate classification (germline): Likely benign. Review status: criteria provided, multiple submitters, no conflicts (2 of 4 stars). 2 submissions from 2 submitters: Likely benign (2). Last evaluated 2024-11-01.

Allele frequency attached by ClinVar (database versions not stated): ExAC 0.00011; gnomAD 0.00004; TOPMed 0.00005; gnomAD exomes 0.00009; ESP Exome Variant Server 0.00015.
gnomAD v4.1: 141 of 1,613,944 alleles (0.0087%); highest among the groups gnomAD compares: South Asian, 0.033%; no homozygotes.

Submissions (2):

Blueprint Genetics
Classification: Likely benign. Last evaluated: 2024-11-01. Review status: criteria provided, single submitter. Criteria: ACMG Guidelines, 2015. Collection method: clinical testing. Allele origin: germline.

CeGaT Center for Human Genetics Tuebingen
Classification: Likely benign. Last evaluated: 2023-11-01. Review status: criteria provided, single submitter. Criteria: CeGaT Center For Human Genetics Tuebingen Variant Classification Criteria Version 2. Collection method: clinical testing. Allele origin: germline. Affected: yes. Observed: 1 variant allele.
Comment: EIF3F: BP4, BP7

NM_003754.3(EIF3F):c.525G>A (p.Thr175=)

Gene: EIF3F (eukaryotic translation initiation factor 3 subunit F; plus strand). Cytogenetic location: 11p15.4.
Variant type: single nucleotide variant.
Coding change: c.525G>A on transcript NM_003754.3 (MANE Select); coding-DNA position 525, G replaced by A.
Protein change: p.Thr175=; no amino-acid change (threonine 175 retained).
Molecular consequence: synonymous variant.
Genome position (GRCh38, 1-based): chr11:7,992,896, G>A. VCF-style: chr11-7992896-G-A. GRCh37 (hg19) VCF-style: chr11-8014443-G-A.
Identifiers: ClinVar variation 2672458 (VCV002672458.24), dbSNP rs147597507, ClinGen allele CA5870580.